The following is an entry in ClinVar:

NM_177438.3(DICER1):c.578G>C (p.Cys193Ser)

Gene: DICER1 (dicer 1, ribonuclease III; minus strand). Cytogenetic location: 14q32.13.
Variant type: single nucleotide variant.
Coding change: c.578G>C on transcript NM_177438.3 (MANE Select); coding-DNA position 578, G replaced by C.
Protein change: p.Cys193Ser; replaces cysteine 193 with serine.
Molecular consequence: missense variant.
Genome position (GRCh38, 1-based): chr14:95,129,628, C>G on the plus strand (G>C on the coding strand, the complement: DICER1 is on the minus strand). VCF-style: chr14-95129628-C-G. GRCh37 (hg19) VCF-style: chr14-95595965-C-G.
Other names: c.578G>C, p.Cys193Ser (NM_001195573.1, NM_001271282.3, NM_001291628.2 and 1 more transcripts); short protein forms C193S.
Identifiers: ClinVar variation 935483 (VCV000935483.12), dbSNP rs1893778744, ClinGen allele CA390888301.

ClinVar aggregate classification (germline): Uncertain significance. Review status: criteria provided, multiple submitters, no conflicts (2 of 4 stars). 2 submissions from 2 submitters: Uncertain significance (2). Last evaluated 2025-02-03.

Conditions:
Hereditary cancer-predisposing syndrome. Also called: Tumor predisposition; Hereditary neoplastic syndrome; Neoplastic Syndromes, Hereditary; Hereditary Cancer Syndrome. Identifiers: Orphanet 140162, MedGen C0027672, MeSH D009386, MONDO:0015356.
DICER1-related tumor predisposition. Also called: DICER1 syndrome; DICER1-related pleuropulmonary blastoma cancer predisposition syndrome. Identifiers: Orphanet 284343, MedGen C3839822, MONDO:0100216.

Submissions (2):

Ambry Genetics
Classification: Uncertain significance for Hereditary cancer-predisposing syndrome. Last evaluated: 2025-02-03. Review status: criteria provided, single submitter. Criteria: Ambry Variant Classification Scheme 2023. Collection method: clinical testing. Allele origin: germline.
Comment: The p.C193S variant (also known as c.578G>C), located in coding exon 5 of the DICER1 gene, results from a G to C substitution at nucleotide position 578. The cysteine at codon 193 is replaced by serine, an amino acid with dissimilar properties. This amino acid position is conserved. In addition, the in silico prediction for this alteration is inconclusive. Based on the available evidence, the clinical significance of this variant remains unclear.

Labcorp Genetics (formerly Invitae), Labcorp
Classification: Uncertain significance for DICER1-related tumor predisposition. Last evaluated: 2019-09-19. Review status: criteria provided, single submitter. Criteria: Invitae Variant Classification Sherloc (09022015). Collection method: clinical testing. Allele origin: germline.
Comment: Algorithms developed to predict the effect of missense changes on protein structure and function are either unavailable or do not agree on the potential impact of this missense change (SIFT: "Tolerated"; PolyPhen-2: "Possibly Damaging"; Align-GVGD: "Class C0"). This sequence change replaces cysteine with serine at codon 193 of the DICER1 protein (p.Cys193Ser). The cysteine residue is moderately conserved and there is a moderate physicochemical difference between cysteine and serine. This variant is not present in population databases (ExAC no frequency). This variant has not been reported in the literature in individuals with DICER1-related conditions. In summary, the available evidence is currently insufficient to determine the role of this variant in disease. Therefore, it has been classified as a Variant of Uncertain Significance.